The following is an entry in ClinVar:

ClinVar aggregate classification (germline): Uncertain significance (1 of 4 stars; one submission).

Allele frequency attached by ClinVar (database versions not stated): TOPMed 0.00001; ExAC 0.00002; gnomAD 0.00003.
gnomAD v4.1: 47 of 1,613,986 alleles (0.0029%); highest among the groups gnomAD compares: Non-Finnish European, 0.0036%; no homozygotes.

Submission:

Labcorp Genetics (formerly Invitae), Labcorp
Classification: Uncertain significance. Last evaluated: 2022-06-13. Review status: criteria provided, single submitter. Criteria: Invitae Variant Classification Sherloc (09022015). Collection method: clinical testing. Allele origin: germline.
Comment: This sequence change replaces glycine, which is neutral and non-polar, with glutamic acid, which is acidic and polar, at codon 419 of the DENND5A protein (p.Gly419Glu). This variant is present in population databases (rs758322402, gnomAD 0.004%). This variant has not been reported in the literature in individuals affected with DENND5A-related conditions. Algorithms developed to predict the effect of missense changes on protein structure and function (SIFT, PolyPhen-2, Align-GVGD) all suggest that this variant is likely to be tolerated. In summary, the available evidence is currently insufficient to determine the role of this variant in disease. Therefore, it has been classified as a Variant of Uncertain Significance.

NM_015213.4(DENND5A):c.1256G>A (p.Gly419Glu)

Gene: DENND5A (DENN domain containing 5A; minus strand). Cytogenetic location: 11p15.4.
Variant type: single nucleotide variant.
Coding change: c.1256G>A on transcript NM_015213.4 (MANE Select); coding-DNA position 1256, G replaced by A.
Protein change: p.Gly419Glu; replaces glycine 419 with glutamic acid.
Molecular consequence: missense variant. On other transcripts: non-coding transcript variant (1).
Genome position (GRCh38, 1-based): chr11:9,180,966, C>T on the plus strand (G>A on the coding strand, the complement: DENND5A is on the minus strand). VCF-style: chr11-9180966-C-T. GRCh37 (hg19) VCF-style: chr11-9202513-C-T.
Other names: c.1256G>A, p.Gly419Glu (NM_001243254.2, NM_001348748.1); c.1184G>A, p.Gly395Glu (NM_001348749.2); c.968G>A, p.Gly323Glu (NM_001348750.2); short protein forms G323E, G395E, G419E.
Identifiers: ClinVar variation 2416816 (VCV002416816.3), dbSNP rs758322402, ClinGen allele CA5877644.
Genomic context (GRCh38, chr11:9,180,966, plus strand): 5'-CGCAGCCTCTTCAGCTTGGAGGCACTCTCACTGCAATGAAGATTCCCTTCAGGGGGAATT[C>T]CAAATGCCATGAGAATCTCAGAGACTTCCTGGACAAACTCCAATTTGTTGGGGAACTGTG-3'
Protein context (NP_056028.2, residues 409-429): QEVSEILMAF[Gly419Glu]IPPEGNLHCS